The following is an entry in ClinVar:

NM_001122630.2(CDKN1C):c.299T>C (p.Val100Ala)

Gene: CDKN1C (cyclin dependent kinase inhibitor 1C; minus strand). Cytogenetic location: 11p15.4.
Variant type: single nucleotide variant.
Coding change: c.299T>C on transcript NM_001122630.2 (MANE Select); coding-DNA position 299, T replaced by C.
Protein change: p.Val100Ala; replaces valine 100 with alanine.
Molecular consequence: missense variant. On other transcripts: intron variant (1).
Genome position (GRCh38, 1-based): chr11:2,885,158, A>G on the plus strand (T>C on the coding strand, the complement: CDKN1C is on the minus strand). VCF-style: chr11-2885158-A-G. GRCh37 (hg19) VCF-style: chr11-2906388-A-G.
Other names: c.332T>C, p.Val111Ala (NM_000076.2, NM_001362474.2); c.299T>C, p.Val100Ala (NM_001122631.2); c.255+44T>C (NM_001362475.2); short protein forms V111A, V100A.
Identifiers: ClinVar variation 2865537 (VCV002865537.3), dbSNP rs2494389018, ClinGen allele CA379146915.
Genomic context (GRCh38, chr11:2,885,158, plus strand): 5'-TCCTCGAGGCCGTCGAGGGACTCAGCGGCCGGCTCGAGGGGCGGGCTGACAGCCACCGCG[A>G]CCGCGACGGGCCGCGGCGCCAGCAGCAGGCGGCAGCGCCCCACCTGCACCGTCTCGCGGT-3'
Protein context (NP_001116102.1, residues 90-110): RLLLAPRPVA[Val100Ala]AVAVSPPLEP

ClinVar aggregate classification (germline): Uncertain significance (1 of 4 stars; one submission).

Conditions:
Beckwith-Wiedemann syndrome (BWS). Also called: Exomphalos macroglossia gigantism syndrome; EMG SYNDROME. Identifiers: Orphanet 116, MedGen C0004903, MONDO:0007534, OMIM 130650.

Submission:

Labcorp Genetics (formerly Invitae), Labcorp
Classification: Uncertain significance for Beckwith-Wiedemann syndrome. Last evaluated: 2023-05-23. Review status: criteria provided, single submitter. Criteria: Invitae Variant Classification Sherloc (09022015). Collection method: clinical testing. Allele origin: germline.
Comment: In summary, the available evidence is currently insufficient to determine the role of this variant in disease. Therefore, it has been classified as a Variant of Uncertain Significance. Advanced modeling of protein sequence and biophysical properties (such as structural, functional, and spatial information, amino acid conservation, physicochemical variation, residue mobility, and thermodynamic stability) performed at Invitae indicates that this missense variant is not expected to disrupt CDKN1C protein function. This variant has not been reported in the literature in individuals affected with CDKN1C-related conditions. This variant is not present in population databases (gnomAD no frequency). This sequence change replaces valine, which is neutral and non-polar, with alanine, which is neutral and non-polar, at codon 111 of the CDKN1C protein (p.Val111Ala).